The following is an entry in ClinVar:

NM_000475.5(NR0B1):c.689G>A (p.Arg230Gln)

Gene: NR0B1 (nuclear receptor subfamily 0 group B member 1; minus strand). Cytogenetic location: Xp21.2.
Variant type: single nucleotide variant.
Coding change: c.689G>A on transcript NM_000475.5 (MANE Select); coding-DNA position 689, G replaced by A.
Protein change: p.Arg230Gln; replaces arginine 230 with glutamine.
Molecular consequence: missense variant.
Genome position (GRCh38, 1-based): chrX:30,308,675, C>T on the plus strand (G>A on the coding strand, the complement: NR0B1 is on the minus strand). VCF-style: chrX-30308675-C-T. GRCh37 (hg19) VCF-style: chrX-30326792-C-T.
Other names: short protein forms R230Q.
Identifiers: ClinVar variation 2660232 (VCV002660232.24), dbSNP rs2519051332, ClinGen allele CA412548090.
Genomic context (GRCh38, chrX:30,308,675, plus strand): 5'-CTCTTGAGCGCCACCGGCCGCAGCGCACCAGAGGAGGTGTCCCACCAGGGGGCCCTCGGC[C>T]GCTCCTCCGGAGCCGCCTGCGCTTGATTTGTGCTCGTGGGCACGCAGTAGAGGGTGCTGC-3'
Protein context (NP_000466.2, residues 220-240): TNQAQAAPEE[Arg230Gln]PRAPWWDTSS

ClinVar aggregate classification (germline): Uncertain significance (1 of 4 stars; one submission).

Submission:

CeGaT Center for Human Genetics Tuebingen
Classification: Uncertain significance. Last evaluated: 2022-11-01. Review status: criteria provided, single submitter. Criteria: CeGaT Center For Human Genetics Tuebingen Variant Classification Criteria Version 2. Collection method: clinical testing. Allele origin: germline. Affected: yes. Observed: 1 variant allele.
Comment: NR0B1: PM2, PM3:Supporting